The following is an entry in ClinVar:

ClinVar aggregate classification (germline): Benign (0 of 4 stars; one submission).

Conditions:
PDZD2-related disorder. Also called: PDZD2-related condition.

Allele frequency attached by ClinVar (database versions not stated): gnomAD exomes 0.00046; ExAC 0.00149; 1000 Genomes Project 0.00499; gnomAD 0.00532; TOPMed 0.00559; 1000 Genomes Project 30x 0.00609; ESP Exome Variant Server 0.00646.
gnomAD v4.1: 1,511 of 1,614,178 alleles (0.094%); highest among the groups gnomAD compares: African/African-American, 1.8%; 15 homozygotes.

Submission:

PreventionGenetics, part of Exact Sciences
Classification: Benign for PDZD2-related condition. Last evaluated: 2019-02-18. Review status: no assertion criteria provided. Collection method: clinical testing. Allele origin: germline.
Comment: This variant is classified as benign based on ACMG/AMP sequence variant interpretation guidelines (Richards et al. 2015 PMID: 25741868, with internal and published modifications).

NM_178140.4(PDZD2):c.676C>A (p.Pro226Thr)

Gene: PDZD2 (PDZ domain containing 2; plus strand). Cytogenetic location: 5p13.3.
Variant type: single nucleotide variant.
Coding change: c.676C>A on transcript NM_178140.4 (MANE Select); coding-DNA position 676, C replaced by A.
Protein change: p.Pro226Thr; replaces proline 226 with threonine.
Molecular consequence: missense variant.
Genome position (GRCh38, 1-based): chr5:31,983,354, C>A. VCF-style: chr5-31983354-C-A. GRCh37 (hg19) VCF-style: chr5-31983460-C-A.
Other names: short protein forms P226T.
Identifiers: ClinVar variation 3043864 (VCV003043864.2), dbSNP rs34239074, ClinGen allele CA3218648.